The following is an entry in ClinVar:

ClinVar aggregate classification (germline): Benign. Review status: criteria provided, multiple submitters, no conflicts (2 of 4 stars). 3 submissions from 2 submitters: Benign (3). Last evaluated 2018-01-12.

Conditions:
Angiokeratoma corporis diffusum with arteriovenous fistulas. Identifiers: MedGen C1838141, MONDO:0010885, OMIM 600419.
Cerebral cavernous malformation (CCM). Also called: Cerebral cavernous hemangioma (type); Cerebral cavernous malformations; CAVERNOUS ANGIOMA, FAMILIAL; CAVERNOUS ANGIOMATOUS MALFORMATIONS; CEREBRAL CAPILLARY MALFORMATIONS; Cavernous Hemangioma of Brain. Identifiers: Orphanet 221061, MedGen C2919945, MONDO:0000820, OMIM 116860, HP:0033522.

Allele frequency attached by ClinVar (database versions not stated): 1000 Genomes Project 30x 0.06152; TOPMed 0.08988; gnomAD 0.09950 and 0.09876; 1000 Genomes Project 0.06390.

Submissions (3):

Illumina Laboratory Services, Illumina
Classification: Benign for Cerebral cavernous malformation. Last evaluated: 2018-01-12. Review status: criteria provided, single submitter. Criteria: ICSL Variant Classification Criteria 13 December 2019. Collection method: clinical testing. Allele origin: germline.
Comment: This variant was observed in the ICSL laboratory as part of a predisposition screen in an ostensibly healthy population. It had not been previously curated by ICSL or reported in the Human Gene Mutation Database (HGMD: prior to June 1st, 2018), and was therefore a candidate for classification through an automated scoring system. Utilizing variant allele frequency, disease prevalence and penetrance estimates, and inheritance mode, an automated score was calculated to assess if this variant is too frequent to cause the disease. Based on the score and internal cut-off values, a variant classified as benign is not then subjected to further curation. The score for this variant resulted in a classification of benign for this disease.

Illumina Laboratory Services, Illumina
Classification: Benign for Angiokeratoma corporis diffusum with arteriovenous fistulas. Last evaluated: 2018-01-12. Review status: criteria provided, single submitter. Criteria: ICSL Variant Classification Criteria 13 December 2019. Collection method: clinical testing. Allele origin: germline.
Comment: the same text as in the submission from Illumina Laboratory Services, Illumina above.

Breakthrough Genomics
Classification: Benign. Review status: criteria provided, single submitter. Criteria: ACMG Guidelines, 2015. Collection method: not provided. Allele origin: germline. Inheritance: Autosomal dominant inheritance. Affected: yes.

NM_194456.1(KRIT1):c.*1385A>G

Gene: KRIT1 (KRIT1 ankyrin repeat containing; minus strand). Cytogenetic location: 7q21.2.
Variant type: single nucleotide variant.
Coding change: c.*1385A>G on transcript NM_194456.1; 1385 bases downstream of the stop codon, A replaced by G.
Molecular consequence: 3 prime UTR variant.
Genome position (GRCh38, 1-based): chr7:92,199,351, T>C on the plus strand (A>G on the coding strand, the complement: KRIT1 is on the minus strand). VCF-style: chr7-92199351-T-C. GRCh37 (hg19) VCF-style: chr7-91828665-T-C.
Other names: c.*1385A>G (NM_001013406.2, NM_001350669.1, NM_001350670.1 and 29 more transcripts).
Identifiers: ClinVar variation 360865 (VCV000360865.8), dbSNP rs62467792, ClinGen allele CA10624374.